The following is an entry in ClinVar:

ClinVar aggregate classification (germline): Uncertain significance. Review status: criteria provided, single submitter (1 of 4 stars). 2 submissions from 2 submitters: Uncertain significance (1). 1 of the submissions does not count toward it. Last evaluated 2021-08-27.

Conditions:
Polyglandular autoimmune syndrome, type 1 (APS1). Also called: APS I; Whitaker syndrome; PGA I; Autoimmune polyendocrine syndrome type 1; AUTOIMMUNE POLYENDOCRINE SYNDROME, TYPE I, WITH OR WITHOUT REVERSIBLE METAPHYSEAL DYSPLASIA; HYPOADRENOCORTICISM WITH HYPOPARATHYROIDISM AND SUPERFICIAL MONILIASIS. Identifiers: Orphanet 3453, MedGen C0085859, MONDO:0009411, OMIM 240300.
AIRE-related disorder. Also called: AIRE-related condition.

Allele frequency attached by ClinVar (database versions not stated): gnomAD 0.00001.

Submissions (2):

Labcorp Genetics (formerly Invitae), Labcorp
Classification: Uncertain significance for Polyglandular autoimmune syndrome, type 1. Last evaluated: 2021-08-27. Review status: criteria provided, single submitter. Criteria: Invitae Variant Classification Sherloc (09022015). Collection method: clinical testing. Allele origin: germline.
Comment: This sequence change replaces alanine with threonine at codon 432 of the AIRE protein (p.Ala432Thr). The alanine residue is moderately conserved and there is a small physicochemical difference between alanine and threonine. This variant is not present in population databases (ExAC no frequency). This variant has not been reported in the literature in individuals affected with AIRE-related conditions. Algorithms developed to predict the effect of missense changes on protein structure and function (SIFT, PolyPhen-2, Align-GVGD) all suggest that this variant is likely to be tolerated. In summary, the available evidence is currently insufficient to determine the role of this variant in disease. Therefore, it has been classified as a Variant of Uncertain Significance.

PreventionGenetics, part of Exact Sciences
Classification: Uncertain significance for AIRE-related condition. Last evaluated: 2024-09-17. Review status: no assertion criteria provided. Collection method: clinical testing. Allele origin: germline. Not counted in ClinVar's aggregate classification.
Comment: The AIRE c.1294G>A variant is predicted to result in the amino acid substitution p.Ala432Thr. To our knowledge, this variant has not been reported in the literature or in a large population database, indicating this variant is rare. At this time, the clinical significance of this variant is uncertain due to the absence of conclusive functional and genetic evidence.

NM_000383.4(AIRE):c.1294G>A (p.Ala432Thr)

Gene: AIRE (autoimmune regulator; plus strand). Cytogenetic location: 21q22.3.
Variant type: single nucleotide variant.
Coding change: c.1294G>A on transcript NM_000383.4 (MANE Select); coding-DNA position 1294, G replaced by A.
Protein change: p.Ala432Thr; replaces alanine 432 with threonine.
Molecular consequence: missense variant.
Genome position (GRCh38, 1-based): chr21:44,293,804, G>A. VCF-style: chr21-44293804-G-A. GRCh37 (hg19) VCF-style: chr21-45713687-G-A.
Other names: c.1294G>A (NM_000383.3); short protein forms A432T.
Identifiers: ClinVar variation 1430348 (VCV001430348.6), dbSNP rs1296392334, ClinGen allele CA410425637.